The following is an entry in ClinVar:

NM_015978.3(TNNI3K):c.770G>A (p.Ser257Asn)

Genes: FPGT-TNNI3K (FPGT-TNNI3K readthrough; plus strand), TNNI3K (TNNI3 interacting kinase; plus strand). Cytogenetic location: 1p31.1.
Variant type: single nucleotide variant.
Coding change: c.770G>A on transcript NM_015978.3 (MANE Select); coding-DNA position 770, G replaced by A.
Protein change: p.Ser257Asn; replaces serine 257 with asparagine.
Molecular consequence: missense variant.
Genome position (GRCh38, 1-based): chr1:74,342,929, G>A. VCF-style: chr1-74342929-G-A. GRCh37 (hg19) VCF-style: chr1-74808613-G-A.
Other names: c.1073G>A, p.Ser358Asn (NM_001112808.3, NM_001199327.2); short protein forms S358N, S257N.
Identifiers: ClinVar variation 2762293 (VCV002762293.3), dbSNP rs1387729729, ClinGen allele CA340781747.

ClinVar aggregate classification (germline): Uncertain significance (1 of 4 stars; one submission).

Allele frequency attached by ClinVar (database versions not stated): gnomAD exomes below 0.00001; TOPMed below 0.00001; gnomAD 0.00001.
gnomAD v4.1: 4 of 1,613,798 alleles (0.00025%); highest among the groups gnomAD compares: Non-Finnish European, 0.00034%; no homozygotes.

Submission:

Labcorp Genetics (formerly Invitae), Labcorp
Classification: Uncertain significance. Last evaluated: 2023-11-18. Review status: criteria provided, single submitter. Criteria: Invitae Variant Classification Sherloc (09022015). Collection method: clinical testing. Allele origin: germline.
Comment: This sequence change replaces serine, which is neutral and polar, with asparagine, which is neutral and polar, at codon 257 of the TNNI3K protein (p.Ser257Asn). This variant is not present in population databases (gnomAD no frequency). This variant has not been reported in the literature in individuals affected with TNNI3K-related conditions. Advanced modeling of protein sequence and biophysical properties (such as structural, functional, and spatial information, amino acid conservation, physicochemical variation, residue mobility, and thermodynamic stability) performed at Invitae indicates that this missense variant is not expected to disrupt TNNI3K protein function with a negative predictive value of 80%. In summary, the available evidence is currently insufficient to determine the role of this variant in disease. Therefore, it has been classified as a Variant of Uncertain Significance.